The following is an entry in ClinVar:

ClinVar aggregate classification (germline): Benign/Likely benign. Review status: criteria provided, multiple submitters, no conflicts (2 of 4 stars). 2 submissions from 2 submitters: Benign (1); Likely benign (1). Last evaluated 2026-05-01.

Allele frequency attached by ClinVar (database versions not stated): gnomAD exomes 0.00005 and 0.00019; gnomAD 0.00006 and 0.00009; 1000 Genomes Project 30x 0.00016; 1000 Genomes Project 0.00020; ExAC 0.00025.
gnomAD v4.1: 94 of 1,599,368 alleles (0.0059%); highest among the groups gnomAD compares: East Asian, 0.085%; no homozygotes.

Submissions (2):

CeGaT Center for Human Genetics Tuebingen
Classification: Likely benign. Last evaluated: 2026-05-01. Review status: criteria provided, single submitter. Criteria: CeGaT Center For Human Genetics Tuebingen Variant Classification Criteria Version 2. Collection method: clinical testing. Allele origin: germline. Affected: yes. Observed: 1 variant allele.
Comment: SLC12A2: BP4, BP7

Labcorp Genetics (formerly Invitae), Labcorp
Classification: Benign. Last evaluated: 2024-05-23. Review status: criteria provided, single submitter. Criteria: Invitae Variant Classification Sherloc (09022015). Collection method: clinical testing. Allele origin: germline.

NM_001046.3(SLC12A2):c.957A>G (p.Leu319=)

Gene: SLC12A2 (solute carrier family 12 member 2; plus strand). Cytogenetic location: 5q23.3.
Variant type: single nucleotide variant.
Coding change: c.957A>G on transcript NM_001046.3 (MANE Select); coding-DNA position 957, A replaced by G.
Protein change: p.Leu319=; no amino-acid change (leucine 319 retained).
Molecular consequence: synonymous variant. On other transcripts: non-coding transcript variant (1).
Genome position (GRCh38, 1-based): chr5:128,114,590, A>G. VCF-style: chr5-128114590-A-G. GRCh37 (hg19) VCF-style: chr5-127450282-A-G.
Other names: c.957A>G, p.Leu319= (NM_001256461.2).
Identifiers: ClinVar variation 1657806 (VCV001657806.10), dbSNP rs115395895, ClinGen allele CA3392963.
Genomic context (GRCh38, chr5:128,114,590, plus strand): 5'-CCGATGAGCTTAAACAAGAGTGTAAGTATTCTCATTGTCTTTCTTTCTTCGTAAAGGTCT[A>G]TCAGTCCTTGTAATAATGATGGCCACTGTTGTGACAACTATCACAGGATTGTCTACTTCA-3'
Protein context (NP_001037.1, residues 309-329): SWIVGQAGIG[Leu319=]SVLVIMMATV